The following is an entry in ClinVar:

NM_000548.5(TSC2):c.2220+6A>C

Gene: TSC2 (TSC complex subunit 2; plus strand). Cytogenetic location: 16p13.3.
Variant type: single nucleotide variant.
Coding change: c.2220+6A>C on transcript NM_000548.5 (MANE Select); 6 bases into the intron after coding-DNA position 2220, A replaced by C.
Molecular consequence: intron variant.
Genome position (GRCh38, 1-based): chr16:2,072,369, A>C. VCF-style: chr16-2072369-A-C. GRCh37 (hg19) VCF-style: chr16-2122370-A-C.
Other names: c.876+6A>C (NM_001406693.1, NM_001406689.1, NM_001406690.1 and 6 more transcripts); c.2310+6A>C (NM_001406667.1, NM_001406668.1); c.1620+6A>C (NM_001406680.1, NM_001406683.1, NM_001406687.1 and 6 more transcripts); c.618+6A>C (NM_001406698.1); c.2220+6A>C (NM_001114382.3, NM_001406663.1, NM_001406664.1 and 6 more transcripts); c.2208+6A>C (NM_001406671.1, NM_001406673.1); c.1758+6A>C (NM_001406681.1); c.2109+6A>C (NM_001406670.1, NM_001318827.2, NM_001406678.1); and 3 more.
Identifiers: ClinVar variation 2853122 (VCV002853122.3), dbSNP rs745822483, ClinGen allele CA2731575714.
Genomic context (GRCh38, chr16:2,072,369, plus strand): 5'-CATCTTTACTTCCCCTTGCAGTGTGGACCAGCTGTGCTCTGCTCTCTGCTCCATGGTACC[A>C]TGGCCGGCCTGGGGTTGGGGTGGGGGACCCAGTAGGGTTTTTCCCCAAAAGACTGCGAGC-3'

ClinVar aggregate classification (germline): Uncertain significance (1 of 4 stars; one submission).

Conditions:
Tuberous sclerosis 2 (TSC2). Identifiers: Orphanet 805, MedGen C1860707, MONDO:0013199, OMIM 613254.

Submission:

Labcorp Genetics (formerly Invitae), Labcorp
Classification: Uncertain significance for Tuberous sclerosis 2. Last evaluated: 2023-04-07. Review status: criteria provided, single submitter. Criteria: Invitae Variant Classification Sherloc (09022015). Collection method: clinical testing. Allele origin: germline.
Comment: This sequence change falls in intron 20 of the TSC2 gene. It does not directly change the encoded amino acid sequence of the TSC2 protein. It affects a nucleotide within the consensus splice site. This variant is not present in population databases (gnomAD no frequency). This variant has not been reported in the literature in individuals affected with TSC2-related conditions. Variants that disrupt the consensus splice site are a relatively common cause of aberrant splicing (PMID: 17576681, 9536098). Algorithms developed to predict the effect of sequence changes on RNA splicing suggest that this variant is not likely to affect RNA splicing. In summary, the available evidence is currently insufficient to determine the role of this variant in disease. Therefore, it has been classified as a Variant of Uncertain Significance.

Literature cited by the submitters: PubMed 17576681; PubMed 9536098.